The following is an entry in ClinVar:

NM_015178.3(RHOBTB2):c.960G>T (p.Gln320His)

Gene: RHOBTB2 (Rho related BTB domain containing 2; plus strand). Cytogenetic location: 8p21.3.
Variant type: single nucleotide variant.
Coding change: c.960G>T on transcript NM_015178.3 (MANE Select); coding-DNA position 960, G replaced by T.
Protein change: p.Gln320His; replaces glutamine 320 with histidine.
Molecular consequence: missense variant.
Genome position (GRCh38, 1-based): chr8:23,007,205, G>T. VCF-style: chr8-23007205-G-T. GRCh37 (hg19) VCF-style: chr8-22864718-G-T.
Other names: c.1026G>T, p.Gln342His (NM_001160036.2); c.981G>T, p.Gln327His (NM_001160037.2); c.960G>T, p.Gln320His (NM_001374791.1); short protein forms Q320H, Q342H, Q327H.
Identifiers: ClinVar variation 2128499 (VCV002128499.4), dbSNP rs2487010603, ClinGen allele CA370566784.

ClinVar aggregate classification (germline): Uncertain significance (1 of 4 stars; one submission).

Allele frequency attached by ClinVar (database versions not stated): gnomAD exomes 0.00001.
gnomAD v4.1: 12 of 1,606,046 alleles (0.00075%); highest among the groups gnomAD compares: Non-Finnish European, 0.00093%; no homozygotes.

Submission:

Labcorp Genetics (formerly Invitae), Labcorp
Classification: Uncertain significance. Last evaluated: 2022-07-04. Review status: criteria provided, single submitter. Criteria: Invitae Variant Classification Sherloc (09022015). Collection method: clinical testing. Allele origin: germline.
Comment: This variant has not been reported in the literature in individuals affected with RHOBTB2-related conditions. This variant is not present in population databases (gnomAD no frequency). This sequence change replaces glutamine, which is neutral and polar, with histidine, which is basic and polar, at codon 342 of the RHOBTB2 protein (p.Gln342His). Algorithms developed to predict the effect of missense changes on protein structure and function (SIFT, PolyPhen-2, Align-GVGD) all suggest that this variant is likely to be tolerated. In summary, the available evidence is currently insufficient to determine the role of this variant in disease. Therefore, it has been classified as a Variant of Uncertain Significance.